The following is an entry in ClinVar:

ClinVar aggregate classification (germline): Conflicting classifications of pathogenicity. Review status: criteria provided, conflicting classifications (1 of 4 stars). 6 submissions from 6 submitters: Uncertain significance (1); Benign (1); Likely benign (1). 3 of the submissions do not count toward it. Last evaluated 2026-01-28.

Conditions:
ROGDI-related disorder. Also called: ROGDI-related condition.
Amelocerebrohypohidrotic syndrome (KTZS). Also called: EPILEPSY AND YELLOW TEETH; EPILEPSY, DEMENTIA, AND AMELOGENESIS IMPERFECTA; KOHLSCHUTTER SYNDROME; Kohlschutter's syndrome. Identifiers: Orphanet 1946, MedGen C0406740, MONDO:0009185, OMIM 226750.

Allele frequency attached by ClinVar (database versions not stated): gnomAD exomes 0.00030 and 0.00045; ExAC 0.00039; 1000 Genomes Project 0.00040; 1000 Genomes Project 30x 0.00047; ESP Exome Variant Server 0.00062; TOPMed 0.00067; gnomAD 0.00071 and 0.00075.
gnomAD v4.1: 549 of 1,548,420 alleles (0.035%); highest among the groups gnomAD compares: African/African-American, 0.17%; 2 homozygotes.

Submissions (6):

Labcorp Genetics (formerly Invitae), Labcorp
Classification: Benign for Amelocerebrohypohidrotic syndrome. Last evaluated: 2026-01-28. Review status: criteria provided, single submitter. Criteria: Invitae Variant Classification Sherloc (09022015). Collection method: clinical testing. Allele origin: germline.

Blueprint Genetics
Classification: Likely benign. Last evaluated: 2024-11-26. Review status: criteria provided, single submitter. Criteria: ACMG Guidelines, 2015. Collection method: clinical testing. Allele origin: germline.

Illumina Laboratory Services, Illumina
Classification: Uncertain significance for Kohlschutter syndrome. Last evaluated: 2018-01-12. Review status: criteria provided, single submitter. Criteria: ICSL Variant Classification Criteria 13 December 2019. Collection method: clinical testing. Allele origin: germline.

PreventionGenetics, part of Exact Sciences
Classification: Likely benign for ROGDI-related condition. Last evaluated: 2023-12-04. Review status: no assertion criteria provided. Collection method: clinical testing. Allele origin: germline. Not counted in ClinVar's aggregate classification.
Comment: This variant is classified as likely benign based on ACMG/AMP sequence variant interpretation guidelines (Richards et al. 2015 PMID: 25741868, with internal and published modifications).

Clinical Genetics DNA and cytogenetics Diagnostics Lab, Erasmus MC, Erasmus Medical Center
Classification: Likely benign. Review status: no assertion criteria provided. Collection method: clinical testing. Allele origin: germline. Affected: yes. Study: VKGL Data-share Consensus. Not counted in ClinVar's aggregate classification.

Genome Diagnostics Laboratory, University Medical Center Utrecht
Classification: Likely benign. Review status: no assertion criteria provided. Collection method: clinical testing. Allele origin: germline. Affected: yes. Study: VKGL Data-share Consensus. Not counted in ClinVar's aggregate classification.

NM_024589.3(ROGDI):c.783C>T (p.Phe261=)

Gene: ROGDI (rogdi atypical leucine zipper; minus strand). Cytogenetic location: 16p13.3.
Variant type: single nucleotide variant.
Coding change: c.783C>T on transcript NM_024589.3 (MANE Select); coding-DNA position 783, C replaced by T.
Protein change: p.Phe261=; no amino-acid change (phenylalanine 261 retained).
Molecular consequence: synonymous variant. On other transcripts: non-coding transcript variant (1).
Genome position (GRCh38, 1-based): chr16:4,797,753, G>A on the plus strand (C>T on the coding strand, the complement: ROGDI is on the minus strand). VCF-style: chr16-4797753-G-A. GRCh37 (hg19) VCF-style: chr16-4847754-G-A.
Identifiers: ClinVar variation 241507 (VCV000241507.23), dbSNP rs142481526, ClinGen allele CA7882486.